The following is an entry in ClinVar:

ClinVar aggregate classification (germline): Uncertain significance. Review status: criteria provided, multiple submitters, no conflicts (2 of 4 stars). 2 submissions from 2 submitters: Uncertain significance (2). Last evaluated 2026-03-05.

Conditions:
Hereditary cancer-predisposing syndrome. Also called: Tumor predisposition; Hereditary Cancer Syndrome; Neoplastic Syndromes, Hereditary; Hereditary neoplastic syndrome. Identifiers: Orphanet 140162, MedGen C0027672, MeSH D009386, MONDO:0015356.

Allele frequency attached by ClinVar (database versions not stated): gnomAD exomes below 0.00001.
gnomAD v4.1: 3 of 1,613,466 alleles (0.00019%); highest among the groups gnomAD compares: South Asian, 0.0033%; no homozygotes.

Submissions (2):

Ambry Genetics
Classification: Uncertain significance for Hereditary cancer-predisposing syndrome. Last evaluated: 2026-03-05. Review status: criteria provided, single submitter. Criteria: Ambry Variant Classification Scheme 2023. Collection method: clinical testing. Allele origin: germline.
Comment: The p.H196Y variant (also known as c.586C>T), located in coding exon 5 of the FH gene, results from a C to T substitution at nucleotide position 586. The histidine at codon 196 is replaced by tyrosine, an amino acid with similar properties. This amino acid position is highly conserved in available vertebrate species. In addition, this alteration is predicted to be deleterious by in silico analysis. Based on the available evidence, the clinical significance of this variant remains unclear.

Labcorp Genetics (formerly Invitae), Labcorp
Classification: Uncertain significance. Last evaluated: 2023-09-15. Review status: criteria provided, single submitter. Criteria: Invitae Variant Classification Sherloc (09022015). Collection method: clinical testing. Allele origin: germline.
Comment: In summary, the available evidence is currently insufficient to determine the role of this variant in disease. Therefore, it has been classified as a Variant of Uncertain Significance. Advanced modeling of protein sequence and biophysical properties (such as structural, functional, and spatial information, amino acid conservation, physicochemical variation, residue mobility, and thermodynamic stability) has been performed at Invitae for this missense variant, however the output from this modeling did not meet the statistical confidence thresholds required to predict the impact of this variant on FH protein function. ClinVar contains an entry for this variant (Variation ID: 485570). This variant has not been reported in the literature in individuals affected with FH-related conditions. This variant is not present in population databases (gnomAD no frequency). This sequence change replaces histidine, which is basic and polar, with tyrosine, which is neutral and polar, at codon 196 of the FH protein (p.His196Tyr).

NM_000143.4(FH):c.586C>T (p.His196Tyr)

Gene: FH (fumarate hydratase; minus strand). Cytogenetic location: 1q43.
Variant type: single nucleotide variant.
Coding change: c.586C>T on transcript NM_000143.4 (MANE Select); coding-DNA position 586, C replaced by T.
Protein change: p.His196Tyr; replaces histidine 196 with tyrosine.
Molecular consequence: missense variant.
Genome position (GRCh38, 1-based): chr1:241,508,755, G>A on the plus strand (C>T on the coding strand, the complement: FH is on the minus strand). VCF-style: chr1-241508755-G-A. GRCh37 (hg19) VCF-style: chr1-241672055-G-A.
Other names: short protein forms H196Y.
Identifiers: ClinVar variation 485570 (VCV000485570.10), dbSNP rs1553341363, ClinGen allele CA345439445.